The following is an entry in ClinVar:

ClinVar aggregate classification (germline): Likely pathogenic (1 of 4 stars; one submission).

Conditions:
Marfan syndrome (MFS). Also called: FBN1-Related Marfan Syndrome; Marfan syndrome type 1; Marfan's syndrome; Marfan syndrome, classic; MARFAN SYNDROME, TYPE I. Identifiers: Orphanet 284963, Orphanet 558, MedGen C0024796, MONDO:0007947, OMIM 154700.

Submission:

Women's Health and Genetics/Laboratory Corporation of America, LabCorp
Classification: Likely pathogenic for Marfan Syndrome. Last evaluated: 2011-08-18. Review status: criteria provided, single submitter. Criteria: LabCorp Variant Classification Summary - May 2015. Collection method: curation, clinical testing. Allele origin: germline. Inheritance: autosomal unknown. Affected: yes.
ClinVar note: Converted during submission from likely pathogenic to Likely pathogenic.

NM_000138.5(FBN1):c.2677G>C (p.Asp893His)

Gene: FBN1 (fibrillin 1; minus strand). Cytogenetic location: 15q21.1.
Variant type: single nucleotide variant.
Coding change: c.2677G>C on transcript NM_000138.5 (MANE Select); coding-DNA position 2677, G replaced by C.
Protein change: p.Asp893His; replaces aspartic acid 893 with histidine.
Molecular consequence: missense variant.
Genome position (GRCh38, 1-based): chr15:48,495,123, C>G on the plus strand (G>C on the coding strand, the complement: FBN1 is on the minus strand). VCF-style: chr15-48495123-C-G. GRCh37 (hg19) VCF-style: chr15-48787320-C-G.
Other names: short protein forms D893H.
Identifiers: ClinVar variation 36056 (VCV000036056.3), dbSNP rs193922193, ClinGen allele CA013303.